The following is an entry in ClinVar:

ClinVar aggregate classification (germline): Uncertain significance (1 of 4 stars; one submission).

Submissions (2):

Labcorp Genetics (formerly Invitae), Labcorp
Classification: Uncertain significance. Last evaluated: 2024-05-06. Review status: criteria provided, single submitter. Criteria: Invitae Variant Classification Sherloc (09022015). Collection method: clinical testing. Allele origin: germline.
Comment: This variant results in the deletion of part of exon 7 (c.635-4_647del) of the UCP2 gene. It is expected to disrupt RNA splicing. Variants that disrupt the donor or acceptor splice site typically lead to a loss of protein function (PMID: 16199547), however the current clinical and genetic evidence is not sufficient to establish whether loss-of-function variants in UCP2 cause disease. This variant is present in population databases (rs766794441, gnomAD 0.02%). This variant has not been reported in the literature in individuals affected with UCP2-related conditions. In summary, the available evidence is currently insufficient to determine the role of this variant in disease. Therefore, it has been classified as a Variant of Uncertain Significance.

Dr. Peter K. Rogan Lab, Western University
No classification provided (evidence only). Condition: Melanoma. Review status: no classification provided. Collection method: in vitro. Allele origin: not applicable. Functional consequence: skipped exon, retained intron. Not counted in ClinVar's aggregate classification.

Literature cited by the submitters: PubMed 16199547 (cited by Labcorp Genetics (formerly Invitae), Labcorp).

NM_003355.3(UCP2):c.635-4_647del

Gene: UCP2 (uncoupling protein 2; minus strand). Cytogenetic location: 11q13.4.
Variant type: Deletion.
Coding change: c.635-4_647del on transcript NM_003355.3 (MANE Select); 4 bases into the intron before coding-DNA position 635 through coding-DNA position 647, 17 bases deleted (GCAGATGACCTCCCTTG).
Molecular consequence: splice acceptor variant.
Genome position (GRCh38, 1-based): chr11:73,975,659-73,975,675, CAAGGGAGGTCATCTGC deleted on the plus strand (GCAGATGACCTCCCTTG on the coding strand, the reverse complement: UCP2 is on the minus strand); deleting any 17 consecutive bases within chr11:73,975,659-73,975,680 gives the same sequence; the c. name uses the placement nearest the transcript's 3' end. VCF-style (leftmost placement, unchanged base first): chr11-73975658-GCAAGGGAGGTCATCTGC-G. GRCh37 (hg19) VCF-style: chr11-73686703-GCAAGGGAGGTCATCTGC-G.
Other names: NC_000011.9:g.73686709_73686725del; c.635-4_647del (NM_001381944.1, NM_001381948.1, NM_001381945.1 and 2 more transcripts); c.440-4_452del (NM_001381950.1); c.533-4_545del (NM_001381949.1); c.635-9_642del (NM_003355.3).
Identifiers: ClinVar variation 3637419 (VCV003637419.3).
Genomic context (GRCh38, chr11:73,975,658, plus strand): 5'-GTCTACAGGGGAGGCGATGACAGTGGTGCAGAAGCCTGCCCCAAAGGCAGAAGTGAAGTG[GCAAGGGAGGTCATCTGC>G]CAAGGAGGAGCAGGCAAGGCAGTCAAGATCTTCACCCATCATTCCAGAAGGCAGGAGAAT-3'